The following is an entry in ClinVar:

NM_001267550.2(TTN):c.71980_71986delinsTA (p.Ala23994_Glu23996delinsTer)

Genes: TTN (titin; minus strand), TTN-AS1 (TTN antisense RNA 1; plus strand). Cytogenetic location: 2q31.2.
Variant type: Indel.
Coding change: c.71980_71986delinsTA on transcript NM_001267550.2 (MANE Select); coding-DNA positions 71980 to 71986, GCATATG replaced by TA.
Protein change: p.Ala23994_Glu23996delinsTer.
Molecular consequence: nonsense (on NM_001256850.1).
Genome position (GRCh38, 1-based): chr2:178,574,146-178,574,152, CATATGC replaced by TA on the plus strand (GCATATG replaced by TA on the coding strand, the reverse complement: TTN is on the minus strand). VCF-style: chr2-178574146-CATATGC-TA. GRCh37 (hg19) VCF-style: chr2-179438873-CATATGC-TA.
Other names: c.67057_67063delGCATATGinsTA (NM_001256850.1); c.67057_67063delinsTA, p.Ala22353_Glu22355delinsTer (NM_001256850.1); c.44785_44791delinsTA, p.Ala14929_Glu14931delinsTer (NM_003319.4); c.64276_64282delinsTA, p.Ala21426_Glu21428delinsTer (NM_133378.4); c.45160_45166delinsTA, p.Ala15054_Glu15056delinsTer (NM_133432.3); c.45361_45367delinsTA, p.Ala15121_Glu15123delinsTer (NM_133437.4); c.71980_71986delinsTA (NM_001267550.1); c.44785_44791delGCATATGinsTA (NM_003319.4).
Identifiers: ClinVar variation 202465 (VCV000202465.8), dbSNP rs794729338, ClinGen allele CA309429.

ClinVar aggregate classification (germline): Pathogenic/Likely pathogenic. Review status: criteria provided, multiple submitters, no conflicts (2 of 4 stars). 4 submissions from 3 submitters: Pathogenic (2); Likely pathogenic (2). Last evaluated 2024-09-16.

Conditions:
Primary dilated cardiomyopathy (DCM). Also called: Dilated Cardiomyopathy. Identifiers: Orphanet 217604, MedGen C0007193, MeSH D002311, MONDO:0005021, HP:0001644. Inheritance: Various modes of inheritance.
Cardiovascular phenotype. Identifiers: MedGen CN230736.
Centronuclear myopathy (CNM). Also called: Centronuclear myopathy, congenital; Myotubular myopathy. Identifiers: Orphanet 595, MedGen C0175709, MONDO:0018947. Inheritance: All.

Submissions (4):

Ambry Genetics
Classification: Likely pathogenic for Cardiovascular phenotype. Last evaluated: 2024-09-16. Review status: criteria provided, single submitter. Criteria: Ambry Variant Classification Scheme 2023. Collection method: clinical testing. Allele origin: germline.
Comment: The c.44785_44791delGCATATGinsTA variant, located in coding exon 153 of the TTN gene, results from the deletion of 7 nucleotides and insertion of two nucleotides causing a translational frameshift with a predicted alternate stop codon (p.A14929*). This exon is located in the A-band region of the N2-B isoform of the titin protein and is constitutively expressed in TTN transcripts (percent spliced in or PSI 100%). This alteration has been reported in a dilated cardiomyopathy (DCM) cohort (Herman DS et al. N Engl J Med, 2012 Feb;366:619-28). This variant is considered to be rare based on population cohorts in the Genome Aggregation Database (gnomAD). This alteration is expected to result in loss of function by premature protein truncation or nonsense-mediated mRNA decay. While truncating variants in TTN are present in 1-3% of the general population, truncating variants in the A-band are the most common cause of dilated cardiomyopathy (DCM) (Herman DS et al. N. Engl. J. Med., 2012 Feb;366:619-28; Roberts AM et al. Sci Transl Med, 2015 Jan;7:270ra6). TTN truncating variants encoded in constitutive exons (PSI >90%) have been found to be significantly associated with DCM regardless of their position in titin (Schafer S et al. Nat. Genet., 2017 01;49:46-53).Based on the majority of available evidence to date, this variant is likely to be pathogenic.

GeneDx
Classification: Pathogenic. Last evaluated: 2023-04-20. Review status: criteria provided, single submitter. Criteria: GeneDx Variant Classification Process June 2021. Collection method: clinical testing. Allele origin: germline. Affected: yes.
Comment: Not observed at significant frequency in large population cohorts (gnomAD); Nonsense variant predicted to result in protein truncation or nonsense mediated decay in a gene for which loss-of-function is a known mechanism of disease; Located in the A-band region of TTN in which the majority of loss of function variants have been associated with autosomal dominant titinopathies (Herman et al., 2012); This variant is associated with the following publications: (PMID: 26315439, 30609409, 22335739)

Laboratory for Molecular Medicine, Mass General Brigham Personalized Medicine
Classification: Likely pathogenic for Myotubular myopathy. Last evaluated: 2018-02-22. Review status: criteria provided, single submitter. Criteria: LMM Criteria. Collection method: clinical testing. Allele origin: germline. Inheritance: Autosomal recessive inheritance. Observed: 2 variant alleles.
Comment: The p.Ala21426X (NM_133432.3 c.64276_64282delinsTA) variant in TTN (also reporte d as c.67057_67063delGCATATGinsTA p.Ala22353fs in the literature) has been prev iously reported in 1 heterozygous proband with dilated cardiomyopathy (DCM) and segregated with disease in 10 family members (7 confirmed to have the variant an d 3 obligate carriers) (Herman 2012). This variant has also been reported as pat hogenic in ClinVar (ClinVar#202465; NM_001256850.1: p.Ala22353Terfs), and was ab sent from large population studies, though the ability of these studies to accur ately detect indels may be limited. This variant leads to a premature terminatio n codon at position 21426, which is predicted to lead to a truncated or absent p rotein. Frameshift and other truncating variants in TTN are strongly associated with DCM if they are located in the exons encoding the A-band (Herman 2012, Pugh 2014) and/or are located in an exon that is highly expressed in the heart (Robe rts 2015), both of which are true for this variant. In addition, pathogenic vari ants in TTN, when found on both copies of the gene, are associated with recessiv e centronuclear myopathy. In summary, this variant meets criteria to be classi fied as pathogenic for DCM in an autosomal dominant manner based upon a predicte d null effect and its segregation in affected individuals, as well as likely pat hogenic for centronuclear myopathy in a recessive manner.

Laboratory for Molecular Medicine, Mass General Brigham Personalized Medicine
Classification: Pathogenic for Primary dilated cardiomyopathy. Last evaluated: 2018-02-22. Review status: criteria provided, single submitter. Criteria: LMM Criteria. Collection method: clinical testing. Allele origin: germline. Inheritance: Autosomal dominant inheritance. Observed: 2 variant alleles.
Comment: the same text as in the submission from Laboratory for Molecular Medicine, Mass General Brigham Personalized Medicine above.

Literature cited by the submitters: PubMed 22335739 (cited by Ambry Genetics and Laboratory for Molecular Medicine, Mass General Brigham Personalized Medicine).